The following is an entry in ClinVar:

NM_014425.5(INVS):c.1162_1163del (p.Val388fs)

Gene: INVS (inversin; plus strand). Cytogenetic location: 9q31.1.
Variant type: Deletion.
Coding change: c.1162_1163del on transcript NM_014425.5 (MANE Select); coding-DNA positions 1162 to 1163, 2 bases deleted (GT; older notation c.1162_1163delGT).
Protein change: p.Val388fs; shifts the reading frame from valine 388.
Molecular consequence: frameshift variant. On other transcripts: non-coding transcript variant (1).
Genome position (GRCh38, 1-based): chr9:100,252,366-100,252,367, GT deleted; deleting any 2 consecutive bases within chr9:100,252,365-100,252,367 gives the same sequence; the c. name uses the placement nearest the transcript's 3' end. VCF-style (leftmost placement, unchanged base first): chr9-100252364-ATG-A. GRCh37 (hg19) VCF-style: chr9-103014646-ATG-A.
Other names: c.874_875del, p.Val292fs (NM_001318381.2); c.184_185del, p.Val62fs (NM_001318382.2); short protein forms V62fs, V292fs, V388fs.
Identifiers: ClinVar variation 2742780 (VCV002742780.3), dbSNP rs2490003475, ClinGen allele CA2697557970.

ClinVar aggregate classification (germline): Pathogenic (1 of 4 stars; one submission).

Conditions:
Nephronophthisis. Also called: Juvenile Nephronophthisis. Identifiers: Orphanet 655, MedGen C0687120, MONDO:0019005, HP:0000090.

Submission:

Labcorp Genetics (formerly Invitae), Labcorp
Classification: Pathogenic for Nephronophthisis. Last evaluated: 2023-07-12. Review status: criteria provided, single submitter. Criteria: Invitae Variant Classification Sherloc (09022015). Collection method: clinical testing. Allele origin: germline.
Comment: For these reasons, this variant has been classified as Pathogenic. This variant has not been reported in the literature in individuals affected with INVS-related conditions. This variant is not present in population databases (gnomAD no frequency). This sequence change creates a premature translational stop signal (p.Val388Tyrfs*11) in the INVS gene. It is expected to result in an absent or disrupted protein product. Loss-of-function variants in INVS are known to be pathogenic (PMID: 12872123).

Literature cited by the submitters: PubMed 12872123.